The following is an entry in ClinVar:

ClinVar aggregate classification (germline): Likely benign (1 of 4 stars; one submission).

gnomAD v4.1: 199 of 147,664 alleles (0.13%); highest among the groups gnomAD compares: South Asian, 0.46%; 1 homozygote.

Submission:

CeGaT Center for Human Genetics Tuebingen
Classification: Likely benign. Last evaluated: 2025-02-01. Review status: criteria provided, single submitter. Criteria: CeGaT Center For Human Genetics Tuebingen Variant Classification Criteria Version 2. Collection method: clinical testing. Allele origin: germline. Affected: yes. Observed: 1 variant allele.
Comment: RAC1: BS1

NM_006908.5(RAC1):c.107+1172C>G

Gene: RAC1 (Rac family small GTPase 1; plus strand). Cytogenetic location: 7p22.1.
Variant type: single nucleotide variant.
Coding change: c.107+1172C>G on transcript NM_006908.5 (MANE Select); 1172 bases into the intron after coding-DNA position 107, C replaced by G.
Molecular consequence: intron variant.
Genome position (GRCh38, 1-based): chr7:6,388,455, C>G. VCF-style: chr7-6388455-C-G. GRCh37 (hg19) VCF-style: chr7-6428086-C-G.
Other names: c.107+1172C>G (NM_018890.4).
Identifiers: ClinVar variation 3771949 (VCV003771949.13).